The following is an entry in ClinVar:

ClinVar aggregate classification (germline): Uncertain significance (1 of 4 stars; one submission).

Conditions:
GLUT1 deficiency syndrome 1, autosomal recessive. Identifiers: MedGen C3149117.

Submission:

Labcorp Genetics (formerly Invitae), Labcorp
Classification: Uncertain significance for GLUT1 deficiency syndrome 1, autosomal recessive. Last evaluated: 2023-11-18. Review status: criteria provided, single submitter. Criteria: Invitae Variant Classification Sherloc (09022015). Collection method: clinical testing. Allele origin: germline.
Comment: This sequence change replaces alanine, which is neutral and non-polar, with threonine, which is neutral and polar, at codon 19 of the SLC2A1 protein (p.Ala19Thr). This variant is not present in population databases (gnomAD no frequency). This variant has not been reported in the literature in individuals affected with SLC2A1-related conditions. Advanced modeling of protein sequence and biophysical properties (such as structural, functional, and spatial information, amino acid conservation, physicochemical variation, residue mobility, and thermodynamic stability) performed at Invitae indicates that this missense variant is expected to disrupt SLC2A1 protein function with a positive predictive value of 95%. In summary, the available evidence is currently insufficient to determine the role of this variant in disease. Therefore, it has been classified as a Variant of Uncertain Significance.

NM_006516.4(SLC2A1):c.55G>A (p.Ala19Thr)

Gene: SLC2A1 (solute carrier family 2 member 1; minus strand). Cytogenetic location: 1p34.2.
Variant type: single nucleotide variant.
Coding change: c.55G>A on transcript NM_006516.4 (MANE Select); coding-DNA position 55, G replaced by A.
Protein change: p.Ala19Thr; replaces alanine 19 with threonine.
Molecular consequence: missense variant.
Genome position (GRCh38, 1-based): chr1:42,943,285, C>T on the plus strand (G>A on the coding strand, the complement: SLC2A1 is on the minus strand). VCF-style: chr1-42943285-C-T. GRCh37 (hg19) VCF-style: chr1-43408956-C-T.
Other names: short protein forms A19T.
Identifiers: ClinVar variation 2697064 (VCV002697064.3), dbSNP rs2525034951, ClinGen allele CA339964851.
Genomic context (GRCh38, chr1:42,943,285, plus strand): 5'-CCTTCTGGGGGGCATTGATGACTCCAGTGTTGTAGCCAAACTGCAGGGAGCCAAGCACTG[C>T]TCCTCCCACGGCCAGCATGAGGCGACCCGTCAGCTTCTGCGGAGAAACAAACCACACTGT-3'
Protein context (NP_006507.2, residues 9-29): TGRLMLAVGG[Ala19Thr]VLGSLQFGYN